The following is an entry in ClinVar:

ClinVar aggregate classification (germline): Benign/Likely benign. Review status: criteria provided, multiple submitters, no conflicts (2 of 4 stars). 4 submissions from 4 submitters: Benign (2); Likely benign (2). Last evaluated 2026-09-01.

Allele frequency attached by ClinVar (database versions not stated): gnomAD exomes 0.00033 and 0.00082; ExAC 0.00098; 1000 Genomes Project 0.00260; 1000 Genomes Project 30x 0.00265; gnomAD 0.00337 and 0.00366; ESP Exome Variant Server 0.00338; TOPMed 0.00367.
gnomAD v4.1: 1,023 of 1,608,266 alleles (0.064%); highest among the groups gnomAD compares: African/African-American, 1.1%; 3 homozygotes.

Submissions (5):

CeGaT Center for Human Genetics Tuebingen
Classification: Likely benign. Last evaluated: 2026-09-01. Review status: criteria provided, single submitter. Criteria: CeGaT Center For Human Genetics Tuebingen Variant Classification Criteria Version 2. Collection method: clinical testing. Allele origin: germline. Affected: yes. Observed: 2 variant alleles.
Comment: HNRNPK: BP4, BP7, BS1

Labcorp Genetics (formerly Invitae), Labcorp
Classification: Benign. Last evaluated: 2025-12-26. Review status: criteria provided, single submitter. Criteria: Invitae Variant Classification Sherloc (09022015). Collection method: clinical testing. Allele origin: germline.

Blueprint Genetics
Classification: Likely benign. Last evaluated: 2024-11-25. Review status: criteria provided, single submitter. Criteria: ACMG Guidelines, 2015. Collection method: clinical testing. Allele origin: germline.

Breakthrough Genomics
Classification: Benign. Review status: criteria provided, single submitter. Criteria: ACMG Guidelines, 2015. Collection method: not provided. Allele origin: germline. Inheritance: Autosomal dominant inheritance. Affected: yes.

Dr. Peter K. Rogan Lab, Western University
No classification provided (evidence only). Condition: Sarcoma. Review status: no classification provided. Collection method: in vitro. Allele origin: not applicable. Functional consequence: retained intron. Not counted in ClinVar's aggregate classification.

NM_031263.4(HNRNPK):c.435C>T (p.Cys145=)

Genes: HNRNPK (heterogeneous nuclear ribonucleoprotein K; minus strand), HNRNPK-AS1 (HNRNPK antisense RNA 1; plus strand). Cytogenetic location: 9q21.32.
Variant type: single nucleotide variant.
Coding change: c.435C>T on transcript NM_031263.4 (MANE Select); coding-DNA position 435, C replaced by T.
Protein change: p.Cys145=; no amino-acid change (cysteine 145 retained).
Molecular consequence: synonymous variant.
Genome position (GRCh38, 1-based): chr9:83,973,367, G>A on the plus strand (C>T on the coding strand, the complement: HNRNPK is on the minus strand). VCF-style: chr9-83973367-G-A. GRCh37 (hg19) VCF-style: chr9-86588282-G-A.
Other names: c.363C>T, p.Cys121= (NM_001318186.2, NM_001318187.2); c.435C>T, p.Cys145= (NM_001318188.2, NM_002140.5, NM_031262.4).
Identifiers: ClinVar variation 784144 (VCV000784144.15), dbSNP rs116557087, ClinGen allele CA5104187.